The following is an entry in ClinVar:

NM_001267550.2(TTN):c.99493C>T (p.Gln33165Ter)

Genes: TTN-AS1 (TTN antisense RNA 1; plus strand), TTN (titin; minus strand). Cytogenetic location: 2q31.2.
Variant type: single nucleotide variant.
Coding change: c.99493C>T on transcript NM_001267550.2 (MANE Select); coding-DNA position 99493, C replaced by T.
Protein change: p.Gln33165Ter; replaces glutamine 33165 with a stop codon.
Molecular consequence: nonsense.
Genome position (GRCh38, 1-based): chr2:178,537,714, G>A on the plus strand (C>T on the coding strand, the complement: TTN is on the minus strand). VCF-style: chr2-178537714-G-A. GRCh37 (hg19) VCF-style: chr2-179402441-G-A.
Other names: c.94570C>T, p.Gln31524Ter (NM_001256850.1); c.72298C>T, p.Gln24100Ter (NM_003319.4); c.91789C>T, p.Gln30597Ter (NM_133378.4); c.72673C>T, p.Gln24225Ter (NM_133432.3); c.72874C>T, p.Gln24292Ter (NM_133437.4); short protein forms Q24292*, Q33165*, Q30597*, Q31524*, Q24100*, Q24225*.
Identifiers: ClinVar variation 2935454 (VCV002935454.3), dbSNP rs2468681856, ClinGen allele CA349428221.
Genomic context (GRCh38, chr2:178,537,714, plus strand): 5'-TGGTTTCTACTTCTCCAACCTCATTGGTGGCTATGCAGGTATAAACACCTTCATCTTCCT[G>A]TTCCTCTGTCATTACTGTAAGAGTGTGTGTGCGTCCATCTGAAGACATTTTGTATTTCCG-3'

ClinVar aggregate classification (germline): Likely pathogenic (1 of 4 stars; one submission).

Conditions:
Dilated cardiomyopathy 1G (CMD1G). Identifiers: Orphanet 154, MedGen C1858763, MONDO:0011400, OMIM 604145.
Autosomal recessive limb-girdle muscular dystrophy type 2J (LGMDR10). Also called: Limb-girdle muscular dystrophy, type 2J; MUSCULAR DYSTROPHY, LIMB-GIRDLE, AUTOSOMAL RECESSIVE 10. Identifiers: Orphanet 140922, MedGen C1837342, MONDO:0012127, OMIM 608807.

Submission:

Labcorp Genetics (formerly Invitae), Labcorp
Classification: Likely pathogenic for Dilated cardiomyopathy 1G; Autosomal recessive limb-girdle muscular dystrophy type 2J. Last evaluated: 2024-03-21. Review status: criteria provided, single submitter. Criteria: Invitae Variant Classification Sherloc (09022015). Collection method: clinical testing. Allele origin: germline.
Comment: This sequence change creates a premature translational stop signal (p.Gln33165*) in the TTN gene. While this is not anticipated to result in nonsense mediated decay, it is expected to create a truncated TTN protein. This variant is not present in population databases (gnomAD no frequency). This variant has not been reported in the literature in individuals affected with TTN-related conditions. This variant is located in the A band of TTN (PMID: 25589632). Truncating variants in this region are significantly overrepresented in patients affected with dilated cardiomyopathy (PMID: 25589632). Truncating variants in this region have also been reported in individuals affected with autosomal recessive centronuclear myopathy (PMID: 23975875). In summary, the currently available evidence indicates that the variant is pathogenic, but additional data are needed to prove that conclusively. Therefore, this variant has been classified as Likely Pathogenic.

Literature cited by the submitters: PubMed 25589632; PubMed 23975875.